The following is an entry in ClinVar:

NM_030665.4(RAI1):c.4681C>T (p.Arg1561Ter)

Gene: RAI1 (retinoic acid induced 1; plus strand). Cytogenetic location: 17p11.2.
Variant type: single nucleotide variant.
Coding change: c.4681C>T on transcript NM_030665.4 (MANE Select); coding-DNA position 4681, C replaced by T.
Protein change: p.Arg1561Ter; replaces arginine 1561 with a stop codon.
Molecular consequence: nonsense.
Genome position (GRCh38, 1-based): chr17:17,797,629, C>T. VCF-style: chr17-17797629-C-T. GRCh37 (hg19) VCF-style: chr17-17700943-C-T.
Other names: short protein forms R1561*.
Identifiers: ClinVar variation 973254 (VCV000973254.7), dbSNP rs750728463, ClinGen allele CA398557273.

ClinVar aggregate classification (germline): Pathogenic/Likely pathogenic. Review status: criteria provided, multiple submitters, no conflicts (2 of 4 stars). 3 submissions from 3 submitters: Pathogenic (2); Likely pathogenic (1). Last evaluated 2023-10-10.

Conditions:
Smith-Magenis syndrome (SMS). Also called: CHROMOSOME 17p11.2 DELETION SYNDROME. Identifiers: Orphanet 819, MedGen C0795864, MONDO:0008434, OMIM 182290.
RAI1-related disorder. Also called: RAI1-related condition.

gnomAD v4.1: 1 of 1,613,928 alleles (0.000062%); no homozygotes.

Submissions (3):

MVZ Medizinische Genetik Mainz
Classification: Pathogenic for Smith-Magenis syndrome. Last evaluated: 2023-10-10. Review status: criteria provided, single submitter. Criteria: UK Practice Guidelines For Variant Classification V4 01 2020. Collection method: clinical testing. Allele origin: germline. Inheritance: Autosomal dominant inheritance. Affected: yes. Observed: 1 variant allele.
Comment: ACMG Criteria: PVS1,PM2_SUP,PP4

PreventionGenetics, part of Exact Sciences
Classification: Likely pathogenic for RAI1-related condition. Last evaluated: 2023-05-05. Review status: criteria provided, single submitter. Criteria: ACMG Guidelines, 2015. Collection method: clinical testing. Allele origin: germline.
Comment: The RAI1 c.4681C>T variant is predicted to result in premature protein termination (p.Arg1561*). This variant was reported in an individual with Smith-Magenis syndrome (Miller et al 2020. PubMed ID: 32371413). This variant is reported in 0.00088% of alleles in individuals of European (non-Finnish) descent in gnomAD. Nonsense variants in RAI1 are expected to be pathogenic. This variant is interpreted as likely pathogenic.

Institute for Genomic Medicine (IGM) Clinical Laboratory, Nationwide Children's Hospital
Classification: Pathogenic for Smith-Magenis syndrome. Last evaluated: 2017-11-17. Review status: criteria provided, single submitter. Criteria: ACMG Guidelines, 2015. Collection method: clinical testing. Allele origin: germline. Affected: yes.
Comment: [ACMG/AMP: PVS1, PM2, PP3] This alteration is a null variant in a gene where LOF is a known mechanism of disease [PVS1], is absent from or rarely observed in large-scale population databases [PM2], is predicted to be damaging by multiple functional prediction tools [PP3].